The following is an entry in ClinVar:

ClinVar aggregate classification (germline): Likely pathogenic (1 of 4 stars; one submission).

Conditions:
Cardiovascular phenotype. Identifiers: MedGen CN230736.

Submission:

Ambry Genetics
Classification: Likely pathogenic for Cardiovascular phenotype. Last evaluated: 2026-07-10. Review status: criteria provided, single submitter. Criteria: Ambry Variant Classification Scheme 2023. Collection method: clinical testing. Allele origin: germline.
Comment: The c.43200_43201dupAC variant, located in coding exon 153 of the TTN gene, results from a duplication of AC at nucleotide position 43200, causing a translational frameshift with a predicted alternate stop codon (p.R14401Hfs*3). This exon is located in the A-band region of the N2-B isoform of the titin protein and is constitutively expressed in TTN transcripts (percent spliced in or PSI 100%). This variant is considered to be rare based on population cohorts in the Genome Aggregation Database (gnomAD). This variant is expected to result in loss of function by premature protein truncation or nonsense-mediated mRNA decay. While truncating variants in TTN are present in 1-3% of the general population, truncating variants in the A-band are the most common cause of dilated cardiomyopathy (Herman DS et al. N. Engl. J. Med., 2012 Feb;366:619-28; Roberts AM et al. Sci Transl Med, 2015 Jan;7:270ra6). TTN truncating variants encoded in constitutive exons (PSI >90%) have been found to be significantly associated with DCM regardless of their position in titin (Schafer S et al. Nat. Genet., 2017 01;49:46-53; Akhtar MM et al. Circ Heart Fail, 2020 Oct;13:e006832; Massier M et al. Clin Genet, 2025 Jan). Based on the majority of available evidence to date, this variant is likely to be pathogenic.

NM_001267550.2(TTN):c.70395_70396dup (p.Arg23466fs)

Genes: TTN (titin; minus strand), TTN-AS1 (TTN antisense RNA 1; plus strand), LOC126806422 (BRD4-independent group 4 enhancer GRCh37_chr2:179440205-179441404; plus strand). Cytogenetic location: 2q31.2.
Variant type: Duplication.
Coding change: c.70395_70396dup on transcript NM_001267550.2 (MANE Select); coding-DNA positions 70395 to 70396, 2 bases duplicated (AC; older notation c.70395_70396dupAC).
Protein change: p.Arg23466fs; shifts the reading frame from arginine 23466.
Molecular consequence: frameshift variant.
Genome position (GRCh38, 1-based): chr2:178,575,736-178,575,737, GT duplicated on the plus strand (AC on the coding strand, the reverse complement: TTN is on the minus strand); duplicating any 2 consecutive bases within chr2:178,575,736-178,575,738 gives the same sequence; the c. name uses the placement nearest the transcript's 3' end. VCF-style (leftmost placement, unchanged base first): chr2-178575735-C-CGT. GRCh37 (hg19) VCF-style: chr2-179440462-C-CGT.
Other names: c.65472_65473dup, p.Arg21825fs (NM_001256850.1); c.43200_43201dupAC (NM_003319.4); c.43200_43201dup, p.Arg14401fs (NM_003319.4); c.62691_62692dup, p.Arg20898fs (NM_133378.4); c.43575_43576dup, p.Arg14526fs (NM_133432.3); c.43776_43777dup, p.Arg14593fs (NM_133437.4); short protein forms R21825fs, R23466fs, R14526fs, R14401fs, R14593fs, R20898fs.
Identifiers: ClinVar variation 5031463 (VCV005031463.1).